The following is an entry in ClinVar:

NM_001089.3(ABCA3):c.2309C>A (p.Pro770Gln)

Gene: ABCA3 (ATP binding cassette subfamily A member 3; minus strand). Cytogenetic location: 16p13.3.
Variant type: single nucleotide variant.
Coding change: c.2309C>A on transcript NM_001089.3 (MANE Select); coding-DNA position 2309, C replaced by A.
Protein change: p.Pro770Gln; replaces proline 770 with glutamine.
Molecular consequence: missense variant.
Genome position (GRCh38, 1-based): chr16:2,295,695, G>T on the plus strand (C>A on the coding strand, the complement: ABCA3 is on the minus strand). VCF-style: chr16-2295695-G-T. GRCh37 (hg19) VCF-style: chr16-2345696-G-T.
Other names: short protein forms P770Q.
Identifiers: ClinVar variation 1396660 (VCV001396660.3), dbSNP rs143929832, ClinGen allele CA7840874.

ClinVar aggregate classification (germline): Uncertain significance (1 of 4 stars; one submission).

gnomAD v4.1: 2 of 1,613,952 alleles (0.00012%); highest among the groups gnomAD compares: African/African-American, 0.0027%; no homozygotes.

Submission:

Labcorp Genetics (formerly Invitae), Labcorp
Classification: Uncertain significance. Last evaluated: 2021-08-12. Review status: criteria provided, single submitter. Criteria: Invitae Variant Classification Sherloc (09022015). Collection method: clinical testing. Allele origin: germline.
Comment: This sequence change replaces proline with glutamine at codon 770 of the ABCA3 protein (p.Pro770Gln). The proline residue is weakly conserved and there is a moderate physicochemical difference between proline and glutamine. This variant is present in population databases (rs143929832, ExAC 0.01%). This variant has not been reported in the literature in individuals affected with ABCA3-related conditions. Algorithms developed to predict the effect of missense changes on protein structure and function are either unavailable or do not agree on the potential impact of this missense change (SIFT: "Deleterious"; PolyPhen-2: "Benign"; Align-GVGD: "Class C0"). Algorithms developed to predict the effect of sequence changes on RNA splicing suggest that this variant may create or strengthen a splice site. In summary, the available evidence is currently insufficient to determine the role of this variant in disease. Therefore, it has been classified as a Variant of Uncertain Significance.